The following is an entry in ClinVar:

ClinVar aggregate classification (germline): Uncertain significance (1 of 4 stars; one submission).

Conditions:
Inborn genetic diseases. Identifiers: MedGen C0950123, MeSH D030342.

gnomAD v4.1: 3 of 1,613,006 alleles (0.00019%); highest among the groups gnomAD compares: Admixed American, 0.0033%; no homozygotes.

Submission:

Ambry Genetics
Classification: Uncertain significance for Inborn genetic diseases. Last evaluated: 2019-09-20. Review status: criteria provided, single submitter. Criteria: Ambry Variant Classification Scheme 2023. Collection method: clinical testing. Allele origin: germline.
Comment: The p.T318S variant (also known as c.953C>G), located in coding exon 8 of the FAM134B gene, results from a C to G substitution at nucleotide position 953. The threonine at codon 318 is replaced by serine, an amino acid with similar properties. This amino acid position is highly conserved in available vertebrate species. This splice prediction software does not predict a deleterious effect on splicing. In addition, the in silico prediction for this alteration is inconclusive. Since supporting evidence is limited at this time, the clinical significance of this alteration remains unclear.

NM_001034850.3(RETREG1):c.953C>G (p.Thr318Ser)

Gene: RETREG1 (reticulophagy regulator 1; minus strand). Cytogenetic location: 5p15.1.
Variant type: single nucleotide variant.
Coding change: c.953C>G on transcript NM_001034850.3 (MANE Select); coding-DNA position 953, C replaced by G.
Protein change: p.Thr318Ser; replaces threonine 318 with serine.
Molecular consequence: missense variant.
Genome position (GRCh38, 1-based): chr5:16,477,709, G>C on the plus strand (C>G on the coding strand, the complement: RETREG1 is on the minus strand). VCF-style: chr5-16477709-G-C. GRCh37 (hg19) VCF-style: chr5-16477818-G-C.
Other names: c.530C>G, p.Thr177Ser (NM_019000.5); short protein forms T177S, T318S.
Identifiers: ClinVar variation 1800403 (VCV001800403.2), dbSNP rs368457852, ClinGen allele CA359257775.